The following is an entry in ClinVar:

ClinVar aggregate classification (germline): Pathogenic (1 of 4 stars; one submission).

Conditions:
Asphyxiating thoracic dystrophy 3. Also called: SHORT-RIB THORACIC DYSPLASIA 3 WITH OR WITHOUT POLYDACTYLY; POLYDACTYLY WITH NEONATAL CHONDRODYSTROPHY, TYPE I; SHORT-RIB THORACIC DYSPLASIA 3/6 WITH POLYDACTYLY, DIGENIC; Short rib polydactyly syndrome 2B; Saldino-Noonan Syndrome. Identifiers: Orphanet 474, Orphanet 93269, Orphanet 93270, Orphanet 93271, MedGen C0036069, MONDO:0013127, OMIM 613091.

Submission:

Myriad Genetics, Inc.
Classification: Pathogenic for Asphyxiating thoracic dystrophy 3. Last evaluated: 2026-04-21. Review status: criteria provided, single submitter. Criteria: Myriad Autosomal Dominant, Autosomal Recessive and X-Linked Classification Criteria (2023). Collection method: clinical testing. Allele origin: unknown.
Comment: NM_001377.2(DYNC2H1):c.10465_10469del5ins4(R3489Gfs*81) is expected to be pathogenic in the context of DYNC2H1-related disorders. This variant is predicted to lead to an abnormal or absent protein product due to the creation of a premature termination codon in DYNC2H1, a gene where loss-of-function variants are known to be pathogenic. Please note: this variant was assessed in the context of healthy population screening.

NM_001377.3(DYNC2H1):c.10465_10469delinsGGGG (p.Arg3489fs)

Gene: DYNC2H1 (dynein cytoplasmic 2 heavy chain 1; plus strand). Cytogenetic location: 11q22.3.
Variant type: Indel.
Coding change: c.10465_10469delinsGGGG on transcript NM_001377.3 (MANE Select); coding-DNA positions 10465 to 10469, CGGGA replaced by GGGG.
Protein change: p.Arg3489fs; shifts the reading frame from arginine 3489.
Molecular consequence: frameshift variant.
Genome position (GRCh38, 1-based): chr11:103,257,611-103,257,615, CGGGA replaced by GGGG. VCF-style: chr11-103257611-CGGGA-GGGG. GRCh37 (hg19) VCF-style: chr11-103128340-CGGGA-GGGG.
Other names: c.10486_10490delinsGGGG, p.Arg3496fs (NM_001080463.2); short protein forms R3489fs, R3496fs.
Identifiers: ClinVar variation 5015815 (VCV005015815.1).